The following is an entry in ClinVar:

ClinVar aggregate classification (germline): Uncertain significance. Review status: criteria provided, multiple submitters, no conflicts (2 of 4 stars). 2 submissions from 2 submitters: Uncertain significance (2). Last evaluated 2020-07-20.

Conditions:
Hereditary cancer-predisposing syndrome. Also called: Neoplastic Syndromes, Hereditary; Tumor predisposition; Hereditary neoplastic syndrome; Hereditary Cancer Syndrome. Identifiers: Orphanet 140162, MedGen C0027672, MeSH D009386, MONDO:0015356.
Hereditary breast ovarian cancer syndrome. Also called: Hereditary breast and ovarian cancer syndrome; Hereditary breast and ovarian cancer; Hereditary breast and ovarian cancer syndrome (HBOC); Breast and ovarian cancer; Hereditary breast and/or ovarian cancer syndrome; BRCA1- and BRCA2-Associated Hereditary Breast and Ovarian Cancer. Identifiers: Orphanet 145, MedGen C0677776, MeSH D061325, MONDO:0003582. Disease mechanism: loss of function.

Submissions (2):

Labcorp Genetics (formerly Invitae), Labcorp
Classification: Uncertain significance for Hereditary breast ovarian cancer syndrome. Last evaluated: 2020-07-20. Review status: criteria provided, single submitter. Criteria: Invitae Variant Classification Sherloc (09022015). Collection method: clinical testing. Allele origin: germline.
Comment: In summary, the available evidence is currently insufficient to determine the role of this variant in disease. Therefore, it has been classified as a Variant of Uncertain Significance. Advanced modeling of protein sequence and biophysical properties (such as structural, functional, and spatial information, amino acid conservation, physicochemical variation, residue mobility, and thermodynamic stability) performed at Invitae indicates that this missense variant is not expected to disrupt BRCA2 protein function. This variant has been reported in individuals in the Leiden Open-source Variation Database (PMID: 21520333). ClinVar contains an entry for this variant (Variation ID: 824913). This variant is not present in population databases (ExAC no frequency). This sequence change replaces threonine with isoleucine at codon 149 of the BRCA2 protein (p.Thr149Ile). The threonine residue is weakly conserved and there is a moderate physicochemical difference between threonine and isoleucine.

Ambry Genetics
Classification: Uncertain significance for Hereditary cancer-predisposing syndrome. Last evaluated: 2018-06-18. Review status: criteria provided, single submitter. Criteria: Ambry Variant Classification Scheme 2023. Collection method: clinical testing. Allele origin: germline.
Comment: The p.T149I variant (also known as c.446C>T), located in coding exon 4 of the BRCA2 gene, results from a C to T substitution at nucleotide position 446. The threonine at codon 149 is replaced by isoleucine, an amino acid with similar properties. This amino acid position is not well conserved in available vertebrate species. In addition, this alteration is predicted to be tolerated by in silico analysis. Since supporting evidence is limited at this time, the clinical significance of this alteration remains unclear.

Literature cited by the submitters: PubMed 21520333 (cited by Labcorp Genetics (formerly Invitae), Labcorp).

NM_000059.4(BRCA2):c.446C>T (p.Thr149Ile)

Gene: BRCA2 (BRCA2 DNA repair associated; plus strand). Cytogenetic location: 13q13.1.
Variant type: single nucleotide variant.
Coding change: c.446C>T on transcript NM_000059.4 (MANE Select); coding-DNA position 446, C replaced by T.
Protein change: p.Thr149Ile; replaces threonine 149 with isoleucine.
Molecular consequence: missense variant.
Genome position (GRCh38, 1-based): chr13:32,326,121, C>T. VCF-style: chr13-32326121-C-T. GRCh37 (hg19) VCF-style: chr13-32900258-C-T.
Other names: short protein forms T149I.
Identifiers: ClinVar variation 824913 (VCV000824913.13), dbSNP rs1593886804, ClinGen allele CA387757082.